The following is an entry in ClinVar:

NM_001369.3(DNAH5):c.12932C>T (p.Pro4311Leu)

Gene: DNAH5 (dynein axonemal heavy chain 5; minus strand). Cytogenetic location: 5p15.2.
Variant type: single nucleotide variant.
Coding change: c.12932C>T on transcript NM_001369.3 (MANE Select); coding-DNA position 12932, C replaced by T.
Protein change: p.Pro4311Leu; replaces proline 4311 with leucine.
Molecular consequence: missense variant.
Genome position (GRCh38, 1-based): chr5:13,714,598, G>A on the plus strand (C>T on the coding strand, the complement: DNAH5 is on the minus strand). VCF-style: chr5-13714598-G-A. GRCh37 (hg19) VCF-style: chr5-13714707-G-A.
Other names: short protein forms P4311L.
Identifiers: ClinVar variation 4781001 (VCV004781001.1).

ClinVar aggregate classification (germline): Uncertain significance (1 of 4 stars; one submission).

Conditions:
Primary ciliary dyskinesia. Also called: Ciliary dyskinesia. Identifiers: Orphanet 244, MedGen C0008780, MONDO:0016575, HP:0012265.

gnomAD v4.1: 5 of 1,614,076 alleles (0.00031%); highest among the groups gnomAD compares: South Asian, 0.0055%; no homozygotes.

Submission:

Labcorp Genetics (formerly Invitae), Labcorp
Classification: Uncertain significance for Primary ciliary dyskinesia. Last evaluated: 2025-11-28. Review status: criteria provided, single submitter. Criteria: Invitae Variant Classification Sherloc (09022015). Collection method: clinical testing. Allele origin: germline.
Comment: This sequence change replaces proline, which is neutral and non-polar, with leucine, which is neutral and non-polar, at codon 4311 of the DNAH5 protein (p.Pro4311Leu). This variant is present in population databases (no rsID available, gnomAD 0.006%). This variant has not been reported in the literature in individuals affected with DNAH5-related conditions. Invitae Evidence Modeling of protein sequence and biophysical properties (such as structural, functional, and spatial information, amino acid conservation, physicochemical variation, residue mobility, and thermodynamic stability) has been performed for this missense variant. However, the output from this modeling did not meet the statistical confidence thresholds required to predict the impact of this variant on DNAH5 protein function. In summary, the available evidence is currently insufficient to determine the role of this variant in disease. Therefore, it has been classified as a Variant of Uncertain Significance.